The following is an entry in ClinVar:

ClinVar aggregate classification (germline): Uncertain significance. Review status: criteria provided, multiple submitters, no conflicts (2 of 4 stars). 3 submissions from 3 submitters: Uncertain significance (3). Last evaluated 2024-08-22.

Conditions:
Cardiovascular phenotype. Identifiers: MedGen CN230736.
3-Methylglutaconic aciduria type 2 (BTHS). Also called: CARDIOSKELETAL MYOPATHY WITH NEUTROPENIA AND ABNORMAL MITOCHONDRIA; Barth syndrome. Identifiers: Orphanet 111, MedGen C0574083, MONDO:0010543, OMIM 302060.

Allele frequency attached by ClinVar (database versions not stated): TOPMed below 0.00001; gnomAD exomes 0.00001.
gnomAD v4.1: 8 of 1,211,228 alleles (0.00066%); highest among the groups gnomAD compares: East Asian, 0.003%; no homozygotes.

Submissions (3):

Ambry Genetics
Classification: Uncertain significance for Cardiovascular phenotype. Last evaluated: 2024-08-22. Review status: criteria provided, single submitter. Criteria: Ambry Variant Classification Scheme 2023. Collection method: clinical testing. Allele origin: germline.
Comment: The p.S258L variant (also known as c.773C>T), located in coding exon 10 of the TAZ gene, results from a C to T substitution at nucleotide position 773. The serine at codon 258 is replaced by leucine, an amino acid with dissimilar properties. This amino acid position is well conserved in available vertebrate species. In addition, the in silico prediction for this alteration is inconclusive. Based on the available evidence, the clinical significance of this variant remains unclear.

Labcorp Genetics (formerly Invitae), Labcorp
Classification: Uncertain significance for 3-Methylglutaconic aciduria type 2. Last evaluated: 2024-04-25. Review status: criteria provided, single submitter. Criteria: Invitae Variant Classification Sherloc (09022015). Collection method: clinical testing. Allele origin: germline.
Comment: This sequence change replaces serine, which is neutral and polar, with leucine, which is neutral and non-polar, at codon 258 of the TAZ protein (p.Ser258Leu). This variant is not present in population databases (gnomAD no frequency). This variant has not been reported in the literature in individuals affected with TAZ-related conditions. ClinVar contains an entry for this variant (Variation ID: 1051351). An algorithm developed to predict the effect of missense changes on protein structure and function (PolyPhen-2) suggests that this variant is likely to be tolerated. In summary, the available evidence is currently insufficient to determine the role of this variant in disease. Therefore, it has been classified as a Variant of Uncertain Significance.

GeneDx
Classification: Uncertain significance. Last evaluated: 2024-03-04. Review status: criteria provided, single submitter. Criteria: GeneDx Variant Classification Process June 2021. Collection method: clinical testing. Allele origin: germline. Affected: yes.
Comment: Not observed at significant frequency in large population cohorts (gnomAD); In silico analysis supports that this missense variant has a deleterious effect on protein structure/function; Has not been previously published as pathogenic or benign to our knowledge

NM_000116.5(TAFAZZIN):c.773C>T (p.Ser258Leu)

Gene: TAFAZZIN (tafazzin, phospholipid-lysophospholipid transacylase; plus strand). Cytogenetic location: Xq28.
Variant type: single nucleotide variant.
Coding change: c.773C>T on transcript NM_000116.5 (MANE Select); coding-DNA position 773, C replaced by T.
Protein change: p.Ser258Leu; replaces serine 258 with leucine.
Molecular consequence: missense variant. On other transcripts: non-coding transcript variant (1).
Genome position (GRCh38, 1-based): chrX:154,420,731, C>T. VCF-style: chrX-154420731-C-T. GRCh37 (hg19) VCF-style: chrX-153649070-C-T.
Other names: c.785C>T, p.Ser262Leu (NM_001303465.2); c.683C>T, p.Ser228Leu (NM_181311.4); c.731C>T, p.Ser244Leu (NM_181312.4); c.641C>T, p.Ser214Leu (NM_181313.4); c.773C>T (NM_000116.3); short protein forms S214L, S228L, S244L, S258L, S262L.
Identifiers: ClinVar variation 1051351 (VCV001051351.7), dbSNP rs2068606445, ClinGen allele CA415185530.